The following is an entry in ClinVar:

ClinVar aggregate classification (germline): Uncertain significance (1 of 4 stars; one submission).

Submission:

Labcorp Genetics (formerly Invitae), Labcorp
Classification: Uncertain significance. Last evaluated: 2021-03-09. Review status: criteria provided, single submitter. Criteria: Invitae Variant Classification Sherloc (09022015). Collection method: clinical testing. Allele origin: germline.
Comment: This sequence change replaces histidine with arginine at codon 981 of the TTLL5 protein (p.His981Arg). The histidine residue is weakly conserved and there is a small physicochemical difference between histidine and arginine. This variant is not present in population databases (ExAC no frequency). This variant has not been reported in the literature in individuals with TTLL5-related conditions. Algorithms developed to predict the effect of missense changes on protein structure and function (SIFT, PolyPhen-2, Align-GVGD) all suggest that this variant is likely to be tolerated, but these predictions have not been confirmed by published functional studies and their clinical significance is uncertain. In summary, the available evidence is currently insufficient to determine the role of this variant in disease. Therefore, it has been classified as a Variant of Uncertain Significance.

NM_015072.5(TTLL5):c.2942A>G (p.His981Arg)

Gene: TTLL5 (tubulin tyrosine ligase like 5; plus strand). Cytogenetic location: 14q24.3.
Variant type: single nucleotide variant.
Coding change: c.2942A>G on transcript NM_015072.5 (MANE Select); coding-DNA position 2942, A replaced by G.
Protein change: p.His981Arg; replaces histidine 981 with arginine.
Molecular consequence: missense variant.
Genome position (GRCh38, 1-based): chr14:75,783,486, A>G. VCF-style: chr14-75783486-A-G. GRCh37 (hg19) VCF-style: chr14-76249829-A-G.
Other names: short protein forms H981R.
Identifiers: ClinVar variation 1374174 (VCV001374174.8), dbSNP rs2140331617, ClinGen allele CA390472687.